The following is an entry in ClinVar:

ClinVar aggregate classification (germline): Uncertain significance (1 of 4 stars; one submission).

Submission:

Ambry Genetics
Classification: Uncertain significance. Last evaluated: 2026-09-09. Review status: criteria provided, single submitter. Criteria: Ambry Variant Classification Scheme 2023. Collection method: clinical testing. Allele origin: germline.
Comment: The c.957+1_957+12del12insT intronic variant results from a deletion of 12 nucleotides and insertion of 1 nucleotide at positions c.957+1 to c.957+12 and involves the canonical splice donor site after coding exon 8 of the RAD51B gene. This nucleotide region is well conserved in available vertebrate species. In silico splice site analysis predicts that this alteration will weaken the native splice donor site. The evidence for this gene-disease relationship is limited; therefore, the clinical significance of this variant is unclear.

NM_133510.4(RAD51B):c.957+1_957+12delinsT

Gene: RAD51B (RAD51 paralog B; plus strand). Cytogenetic location: 14q24.1.
Variant type: Indel.
Coding change: c.957+1_957+12delinsT on transcript NM_133510.4 (MANE Select); the canonical splice donor site of the intron after coding-DNA position 957 through 12 bases into the intron after coding-DNA position 957, GTGGGTGCTTTG replaced by T.
Molecular consequence: splice donor variant.
Genome position (GRCh38, 1-based): chr14:68,411,528-68,411,539, GTGGGTGCTTTG replaced by T. VCF-style: chr14-68411528-GTGGGTGCTTTG-T. GRCh37 (hg19) VCF-style: chr14-68878245-GTGGGTGCTTTG-T.
Other names: c.957+1_957+12delinsT (NM_001321818.2, NM_001321809.2, NM_001321821.2 and 6 more transcripts); c.600+1_600+12delinsT (NM_001321817.2); c.843+1_843+12delinsT (NM_001321815.1).
Identifiers: ClinVar variation 5027754 (VCV005027754.1).